The following is an entry in ClinVar:

NM_004656.4(BAP1):c.1890+3G>A

Gene: BAP1 (BRCA1 associated deubiquitinase 1; minus strand). Cytogenetic location: 3p21.1.
Variant type: single nucleotide variant.
Coding change: c.1890+3G>A on transcript NM_004656.4 (MANE Select); 3 bases into the intron after coding-DNA position 1890, G replaced by A.
Molecular consequence: intron variant.
Genome position (GRCh38, 1-based): chr3:52,403,135, C>T on the plus strand (G>A on the coding strand, the complement: BAP1 is on the minus strand). VCF-style: chr3-52403135-C-T. GRCh37 (hg19) VCF-style: chr3-52437151-C-T.
Other names: c.1836+3G>A (NM_001410772.1).
Identifiers: ClinVar variation 3690949 (VCV003690949.2).

ClinVar aggregate classification (germline): Uncertain significance (1 of 4 stars; one submission).

Conditions:
BAP1-related tumor predisposition syndrome (TPDS1). Also called: Tumor susceptibility linked to germline BAP1 mutations; COMMON Syndrome; TUMOR PREDISPOSITION SYNDROME 1; BAP1 tumor predisposition syndrome. Identifiers: Orphanet 289539, MedGen C3280492, MONDO:0013692, OMIM 614327.

Submission:

Labcorp Genetics (formerly Invitae), Labcorp
Classification: Uncertain significance for BAP1-related tumor predisposition syndrome. Last evaluated: 2024-03-24. Review status: criteria provided, single submitter. Criteria: Invitae Variant Classification Sherloc (09022015). Collection method: clinical testing. Allele origin: germline.
Comment: This sequence change falls in intron 14 of the BAP1 gene. It does not directly change the encoded amino acid sequence of the BAP1 protein. It affects a nucleotide within the consensus splice site. This variant is not present in population databases (gnomAD no frequency). This variant has not been reported in the literature in individuals affected with BAP1-related conditions. Variants that disrupt the consensus splice site are a relatively common cause of aberrant splicing (PMID: 17576681, 9536098). Algorithms developed to predict the effect of sequence changes on RNA splicing suggest that this variant is not likely to affect RNA splicing. In summary, the available evidence is currently insufficient to determine the role of this variant in disease. Therefore, it has been classified as a Variant of Uncertain Significance.

Literature cited by the submitters: PubMed 17576681; PubMed 9536098.